The following is an entry in ClinVar:

NM_001399.5(EDA):c.760C>T (p.Gln254Ter)

Gene: EDA (ectodysplasin A; plus strand). Cytogenetic location: Xq13.1.
Variant type: single nucleotide variant.
Coding change: c.760C>T on transcript NM_001399.5 (MANE Select); coding-DNA position 760, C replaced by T.
Protein change: p.Gln254Ter; replaces glutamine 254 with a stop codon.
Molecular consequence: nonsense.
Genome position (GRCh38, 1-based): chrX:70,030,487, C>T. VCF-style: chrX-70030487-C-T. GRCh37 (hg19) VCF-style: chrX-69250337-C-T.
Other names: c.760C>T, p.Gln254Ter (NM_001005609.2, NM_001005612.3); short protein forms Q254*.
Identifiers: ClinVar variation 2503416 (VCV002503416.4), dbSNP rs2520339340, ClinGen allele CA413448672.

ClinVar aggregate classification (germline): Conflicting classifications of pathogenicity. Review status: criteria provided, conflicting classifications (1 of 4 stars). 3 submissions from 3 submitters: Pathogenic (1); Uncertain significance (1). 1 of the submissions does not count toward it. Last evaluated 2024-11-24.

Conditions:
Hypohidrotic X-linked ectodermal dysplasia (XHED). Also called: Anhidrotic ectodermal dysplasia X-linked; Christ Siemens Touraine syndrome; ECTODERMAL DYSPLASIA 1, HYPOHIDROTIC, X-LINKED; ECTODERMAL DYSPLASIA 1, HYPOHIDROTIC/HAIR/TOOTH TYPE, X-LINKED; ECTODERMAL DYSPLASIA 1; ECTODERMAL DYSPLASIA, HYPOHIDROTIC, 1. Identifiers: Orphanet 181, Orphanet 238468, MedGen C0162359, MONDO:0010585, OMIM 305100.

Submissions (3):

Labcorp Genetics (formerly Invitae), Labcorp
Classification: Pathogenic for Hypohidrotic X-linked ectodermal dysplasia. Last evaluated: 2024-11-24. Review status: criteria provided, single submitter. Criteria: Invitae Variant Classification Sherloc (09022015). Collection method: clinical testing. Allele origin: germline.
Comment: This sequence change creates a premature translational stop signal (p.Gln254*) in the EDA gene. It is expected to result in an absent or disrupted protein product. Loss-of-function variants in EDA are known to be pathogenic (PMID: 9683615). This variant is not present in population databases (gnomAD no frequency). This premature translational stop signal has been observed in individual(s) with hypohidrotic ectodermal dysplasia (PMID: 31796081). ClinVar contains an entry for this variant (Variation ID: 2503416). Algorithms developed to predict the effect of sequence changes on RNA splicing suggest that this variant may disrupt the consensus splice site. For these reasons, this variant has been classified as Pathogenic.

Genomic Medicine Center of Excellence, King Faisal Specialist Hospital and Research Centre
Classification: Uncertain significance for Hypohidrotic X-linked ectodermal dysplasia. Last evaluated: 2024-03-25. Review status: criteria provided, single submitter. Criteria: ACMG Guidelines, 2015. Collection method: clinical testing. Allele origin: germline.

Clinical Laboratory Sciences Program (CLSP), King Saud bin Abdulaziz University for Health Sciences (KSAU-HS)
Classification: Pathogenic for Hypohidrotic X-linked ectodermal dysplasia. Last evaluated: 2023-04-01. Review status: no assertion criteria provided. Collection method: clinical testing. Allele origin: germline. Affected: yes. Not counted in ClinVar's aggregate classification.

Literature cited by the submitters: PubMed 9683615 (cited by Labcorp Genetics (formerly Invitae), Labcorp); PubMed 31796081 (cited by Labcorp Genetics (formerly Invitae), Labcorp).